The following is an entry in ClinVar:

ClinVar aggregate classification (germline): Uncertain significance. Review status: criteria provided, multiple submitters, no conflicts (2 of 4 stars). 2 submissions from 2 submitters: Uncertain significance (2). Last evaluated 2025-07-02.

Conditions:
Inborn genetic diseases. Identifiers: MedGen C0950123, MeSH D030342.

Allele frequency attached by ClinVar (database versions not stated): ExAC 0.00002; gnomAD 0.00003; TOPMed 0.00003; gnomAD exomes 0.00004.
gnomAD v4.1: 59 of 1,613,998 alleles (0.0037%); highest among the groups gnomAD compares: East Asian, 0.011%; no homozygotes.

Submissions (2):

Women's Health and Genetics/Laboratory Corporation of America, LabCorp
Classification: Uncertain significance. Last evaluated: 2025-07-02. Review status: criteria provided, single submitter. Criteria: LabCorp Variant Classification Summary - May 2015. Collection method: clinical testing. Allele origin: germline.
Comment: Variant summary: VANGL1 c.1228C>T (p.Arg410Cys) results in a non-conservative amino acid change in the encoded protein sequence. Algorithms developed to predict the effect of missense changes on protein structure and function all suggest that this variant is likely to be disruptive. The variant allele was found at a frequency of 2.4e-05 in 251350 control chromosomes. The available data on variant occurrences in the general population are insufficient to allow any conclusion about variant significance. To our knowledge, no occurrence of c.1228C>T in individuals affected with VANGL1-Related Disorders and no experimental evidence demonstrating its impact on protein function have been reported. ClinVar contains an entry for this variant (Variation ID: 3188134). Based on the evidence outlined above, the variant was classified as uncertain significance.

Ambry Genetics
Classification: Uncertain significance for Inborn genetic diseases. Last evaluated: 2023-12-14. Review status: criteria provided, single submitter. Criteria: Ambry Variant Classification Scheme 2023. Collection method: clinical testing. Allele origin: germline.

NM_138959.3(VANGL1):c.1228C>T (p.Arg410Cys)

Gene: VANGL1 (VANGL planar cell polarity protein 1; plus strand). Cytogenetic location: 1p13.1.
Variant type: single nucleotide variant.
Coding change: c.1228C>T on transcript NM_138959.3 (MANE Select); coding-DNA position 1228, C replaced by T.
Protein change: p.Arg410Cys; replaces arginine 410 with cysteine.
Molecular consequence: missense variant.
Genome position (GRCh38, 1-based): chr1:115,685,441, C>T. VCF-style: chr1-115685441-C-T. GRCh37 (hg19) VCF-style: chr1-116228062-C-T.
Other names: c.1222C>T, p.Arg408Cys (NM_001172411.2); c.1228C>T, p.Arg410Cys (NM_001172412.2); short protein forms R408C, R410C.
Identifiers: ClinVar variation 3188134 (VCV003188134.3), dbSNP rs764026398, ClinGen allele CA1023480.